The following is an entry in ClinVar:

ClinVar aggregate classification (germline): Pathogenic (1 of 4 stars; one submission).

Conditions:
Glutaric aciduria, type 1. Also called: GA I; Glutaricaciduria, type I; Glutaryl-CoA dehydrogenase deficiency; Glutaric acidemia type I; Glutaricacidemia Type 1; Glutaric Acidemia Type 1. Identifiers: Orphanet 25, MedGen C0268595, MONDO:0009281, OMIM 231670.

Allele frequency attached by ClinVar (database versions not stated): gnomAD exomes below 0.00001.
gnomAD v4.1: 6 of 1,614,214 alleles (0.00037%); highest among the groups gnomAD compares: Non-Finnish European, 0.00051%; no homozygotes.

Submission:

Labcorp Genetics (formerly Invitae), Labcorp
Classification: Pathogenic for Glutaric aciduria, type 1. Last evaluated: 2022-04-14. Review status: criteria provided, single submitter. Criteria: Invitae Variant Classification Sherloc (09022015). Collection method: clinical testing. Allele origin: germline.
Comment: This missense change has been observed in individual(s) with GCDH-related conditions (Invitae). For these reasons, this variant has been classified as Pathogenic. This variant disrupts the p.His417 amino acid residue in GCDH. Other variant(s) that disrupt this residue have been observed in individuals with GCDH-related conditions (PMID: 29665094), which suggests that this may be a clinically significant amino acid residue. Algorithms developed to predict the effect of sequence changes on RNA splicing suggest that this variant may create or strengthen a splice site. Advanced modeling of protein sequence and biophysical properties (such as structural, functional, and spatial information, amino acid conservation, physicochemical variation, residue mobility, and thermodynamic stability) performed at Invitae indicates that this missense variant is expected to disrupt GCDH protein function. ClinVar contains an entry for this variant (Variation ID: 529443). This variant is present in population databases (no rsID available, gnomAD 0.0009%). This sequence change replaces histidine, which is basic and polar, with aspartic acid, which is acidic and polar, at codon 417 of the GCDH protein (p.His417Asp).

Literature cited by the submitters: PubMed 29665094.

NM_000159.4(GCDH):c.1249C>G (p.His417Asp)

Genes: GCDH (glutaryl-CoA dehydrogenase; plus strand), SYCE2 (synaptonemal complex central element protein 2; minus strand), LOC126862860 (BRD4-independent group 4 enhancer GRCh37_chr19:13010146-13011345; plus strand). Cytogenetic location: 19p13.13.
Variant type: single nucleotide variant.
Coding change: c.1249C>G on transcript NM_000159.4 (MANE Select); coding-DNA position 1249, C replaced by G.
Protein change: p.His417Asp; replaces histidine 417 with aspartic acid.
Molecular consequence: missense variant. On other transcripts: non-coding transcript variant (2), intron variant (2).
Genome position (GRCh38, 1-based): chr19:12,899,473, C>G. VCF-style: chr19-12899473-C-G. GRCh37 (hg19) VCF-style: chr19-13010287-C-G.
Other names: c.1244-227C>G (NM_013976.5); c.613-88G>C (NM_001105578.2); short protein forms H417D.
Identifiers: ClinVar variation 529443 (VCV000529443.9), dbSNP rs1405935475, ClinGen allele CA404322111.